The following is an entry in ClinVar:

NM_000535.7(PMS2):c.929A>G (p.Tyr310Cys)

Gene: PMS2 (PMS1 homolog 2, mismatch repair system component; minus strand). Cytogenetic location: 7p22.1.
Variant type: single nucleotide variant.
Coding change: c.929A>G on transcript NM_000535.7 (MANE Select); coding-DNA position 929, A replaced by G.
Protein change: p.Tyr310Cys; replaces tyrosine 310 with cysteine.
Molecular consequence: missense variant. On other transcripts: 5 prime UTR variant (2), non-coding transcript variant (1).
Genome position (GRCh38, 1-based): chr7:5,992,032, T>C on the plus strand (A>G on the coding strand, the complement: PMS2 is on the minus strand). VCF-style: chr7-5992032-T-C. GRCh37 (hg19) VCF-style: chr7-6031663-T-C.
Other names: c.524A>G, p.Tyr175Cys (NM_001322003.2, NM_001322004.2, NM_001322005.2 and 2 more transcripts); c.929A>G, p.Tyr310Cys (NM_001322006.2, NM_001322014.2); c.611A>G, p.Tyr204Cys (NM_001322007.2, NM_001322008.2); c.-5A>G (NM_001322011.2, NM_001322012.2); c.356A>G, p.Tyr119Cys (NM_001322013.2); c.620A>G, p.Tyr207Cys (NM_001322015.2); short protein forms Y310C, Y207C, Y119C, Y175C, Y204C.
Identifiers: ClinVar variation 525783 (VCV000525783.21), dbSNP rs372172981, ClinGen allele CA052522.

ClinVar aggregate classification (germline): Uncertain significance. Review status: criteria provided, multiple submitters, no conflicts (2 of 4 stars). 6 submissions from 6 submitters: Uncertain significance (6). Last evaluated 2025-07-01.

Conditions:
Mismatch repair cancer syndrome 4. Identifiers: MedGen C5436817, MONDO:0030843, OMIM 619101.
Lynch syndrome 4 (LYNCH4). Also called: Colorectal cancer, hereditary nonpolyposis, type 4; Hereditary non-polyposis colorectal cancer, type 4. Identifiers: Orphanet 144, MedGen C1838333, MONDO:0013699, OMIM 614337. Disease mechanism: loss of function.
Hereditary nonpolyposis colorectal neoplasms. Identifiers: MedGen C0009405, MeSH D003123.
Hereditary cancer-predisposing syndrome. Also called: Neoplastic Syndromes, Hereditary; Tumor predisposition; Hereditary Cancer Syndrome; Hereditary neoplastic syndrome. Identifiers: Orphanet 140162, MedGen C0027672, MeSH D009386, MONDO:0015356.
Inherited MMR deficiency (Lynch syndrome).
Lynch syndrome. Identifiers: Orphanet 144, MedGen C4552100, MONDO:0005835. Disease mechanism: loss of function.

Allele frequency attached by ClinVar (database versions not stated): TOPMed below 0.00001; ExAC 0.00001; gnomAD exomes 0.00001; ESP Exome Variant Server 0.00008.
gnomAD v4.1: 9 of 1,597,544 alleles (0.00056%); highest among the groups gnomAD compares: Non-Finnish European, 0.00077%; no homozygotes.

Submissions (6):

NHS Central & South Genomic Laboratory Hub
Classification: Uncertain significance for Inherited MMR deficiency (Lynch syndrome). Last evaluated: 2025-07-01. Review status: criteria provided, single submitter. Criteria: ACMG Guidelines, 2015. Collection method: clinical testing. Allele origin: germline. Affected: yes.

Labcorp Genetics (formerly Invitae), Labcorp
Classification: Uncertain significance for Hereditary nonpolyposis colorectal neoplasms. Last evaluated: 2025-01-28. Review status: criteria provided, single submitter. Criteria: Invitae Variant Classification Sherloc (09022015). Collection method: clinical testing. Allele origin: germline.
Comment: This sequence change replaces tyrosine, which is neutral and polar, with cysteine, which is neutral and slightly polar, at codon 310 of the PMS2 protein (p.Tyr310Cys). This variant is present in population databases (rs372172981, gnomAD 0.007%). This variant has not been reported in the literature in individuals affected with PMS2-related conditions. ClinVar contains an entry for this variant (Variation ID: 525783). Invitae Evidence Modeling incorporating data from in vitro experimental studies (internal data) indicates that this missense variant is not expected to disrupt PMS2 function with a negative predictive value of 95%. In summary, the available evidence is currently insufficient to determine the role of this variant in disease. Therefore, it has been classified as a Variant of Uncertain Significance.

Ambry Genetics
Classification: Uncertain significance for Hereditary cancer-predisposing syndrome. Last evaluated: 2024-11-06. Review status: criteria provided, single submitter. Criteria: Ambry Variant Classification Scheme 2023. Collection method: clinical testing. Allele origin: germline.
Comment: The p.Y310C variant (also known as c.929A>G), located in coding exon 9 of the PMS2 gene, results from an A to G substitution at nucleotide position 929. The tyrosine at codon 310 is replaced by cysteine, an amino acid with highly dissimilar properties. This amino acid position is highly conserved in available vertebrate species. In addition, this alteration is predicted to be deleterious by in silico analysis. Based on the available evidence, the clinical significance of this variant remains unclear.

All of Us Research Program, National Institutes of Health
Classification: Uncertain significance for Lynch syndrome. Last evaluated: 2023-11-20. Review status: criteria provided, single submitter. Criteria: ACMG Guidelines, 2015. Collection method: clinical testing. Allele origin: germline. Inheritance: Autosomal dominant inheritance. Observed: 1 variant allele, 1 heterozygote.
Comment: This missense variant replaces tyrosine with cysteine at codon 310 of the PMS2 protein. Computational prediction suggests that this variant may have deleterious impact on protein structure and function (internally defined REVEL score threshold >= 0.7, PMID: 27666373). To our knowledge, functional studies have not been reported for this variant. This variant has not been reported in individuals affected with PMS2-related disorders in the literature. This variant has not been identified in the general population by the Genome Aggregation Database (gnomAD). The available evidence is insufficient to determine the role of this variant in disease conclusively. Therefore, this variant is classified as a Variant of Uncertain Significance.

This study involves interpretation of variants in research participants for the purpose of population health screening. Participant phenotype was not available at the time of variant classification. Additional details can be found in publication PMID: 35346344, PMCID: PMC8962531

Color Diagnostics, LLC DBA Color Health
Classification: Uncertain significance for Hereditary cancer-predisposing syndrome. Last evaluated: 2023-10-25. Review status: criteria provided, single submitter. Criteria: ACMG Guidelines, 2015. Collection method: clinical testing. Allele origin: germline.
Comment: This missense variant replaces tyrosine with cysteine at codon 310 of the PMS2 protein. Computational prediction suggests that this variant may have deleterious impact on protein structure and function. To our knowledge, functional studies have not been reported for this variant. This variant has not been reported in individuals affected with PMS2-related disorders in the literature. This variant has not been identified in the general population by the Genome Aggregation Database (gnomAD). The available evidence is insufficient to determine the role of this variant in disease conclusively. Therefore, this variant is classified as a Variant of Uncertain Significance.

Fulgent Genetics
Classification: Uncertain significance for Lynch syndrome 4; Mismatch repair cancer syndrome 4. Last evaluated: 2021-09-23. Review status: criteria provided, single submitter. Criteria: ACMG Guidelines, 2015. Collection method: clinical testing. Allele origin: unknown.